The following is an entry in ClinVar:

ClinVar aggregate classification (germline): Likely pathogenic. Review status: criteria provided, multiple submitters, no conflicts (2 of 4 stars). 2 submissions from 2 submitters: Likely pathogenic (2). Last evaluated 2025-06-23.

Conditions:
Corticosterone 18-monooxygenase deficiency. Also called: ALDOSTERONE DEFICIENCY DUE TO DEFECT IN STEROID 18-HYDROXYLASE; ALDOSTERONE DEFICIENCY I; CMO I DEFICIENCY; STEROID 18-HYDROXYLASE DEFICIENCY; 18 Hydroxylase deficiency; Aldosterone deficiency due to defect in 18 hydroxylase. Identifiers: Orphanet 427, MedGen C0268293, MONDO:0008751, OMIM 203400. Disease mechanism: loss of function.
Corticosterone methyloxidase type 2 deficiency. Also called: 18-OXIDASE DEFICIENCY; ALDOSTERONE DEFICIENCY DUE TO DEFICIENCY OF STEROID 18-OXIDASE; ALDOSTERONE DEFICIENCY II; CMO II DEFICIENCY; STEROID 18-OXIDASE DEFICIENCY. Identifiers: Orphanet 427, MedGen C3463917, MONDO:0012524, OMIM 610600. Disease mechanism: loss of function.
Corticosterone methyl oxidase type II deficiency.

Submissions (2):

Natera, Inc.
Classification: Likely pathogenic for Corticosterone methyl oxidase type II deficiency. Last evaluated: 2025-06-23. Review status: criteria provided, single submitter. Criteria: Natera Variant Classification Schema (03/2026). Collection method: clinical testing. Allele origin: germline.
Comment: The c.1391_1393del variant in CYP11B2 is an in-frame deletion predicted to remove leucine at amino acid 464 while preserving the reading frame. This variant is rare in the general population with a frequency below the threshold expected for the associated phenotype(s). This variant has been observed in one or more individuals affected with the associated recessive disease, as either homozygous or compound heterozygous with a second variant (PMID: 31302112). Functional studies show that this variant may disrupt protein function (PMID: 31302112). Computational prediction algorithms indicate this variant is likely to affect gene or protein function. Given the available evidence, this variant is classified as Likely Pathogenic.

Fulgent Genetics
Classification: Likely pathogenic for Corticosterone 18-monooxygenase deficiency; Corticosterone methyloxidase type 2 deficiency. Last evaluated: 2024-04-04. Review status: criteria provided, single submitter. Criteria: ACMG Guidelines, 2015. Collection method: clinical testing. Allele origin: germline.

Literature cited by the submitters: PubMed 31302112 (cited by Natera, Inc.).

NM_000498.3(CYP11B2):c.1379TGC[4] (p.Leu464del)

Genes: CYP11B2 (cytochrome P450 family 11 subfamily B member 2; minus strand), LOC106799834 (CYP11B2 recombination region; plus strand). Cytogenetic location: 8q24.3.
Variant type: Microsatellite.
Coding change: c.1379TGC[4] on transcript NM_000498.3 (MANE Select); four copies in a row of the 3-base unit TGC starting at c.1379; the reference has five copies in a row; one copy, 3 bases deleted; also written c.1391_1393del.
Protein change: p.Leu464del; deletes leucine 464.
Genome position (GRCh38, 1-based): chr8:142,912,535-142,912,537, GCA deleted on the plus strand (TGC on the coding strand, the reverse complement: CYP11B2 is on the minus strand); deleting any 3 consecutive bases within chr8:142,912,535-142,912,549 gives the same sequence; the position shown is the placement nearest the transcript's 3' end. VCF-style (leftmost placement, unchanged base first): chr8-142912534-TGCA-T. GRCh37 (hg19) VCF-style: chr8-143993950-TGCA-T.
Other names: c.1391_1393del (NM_000498.3); short protein forms L464del.
Identifiers: ClinVar variation 3595364 (VCV003595364.2).
Genomic context (GRCh38, chr8:142,912,534, plus strand): 5'-TGTGCAGGTCCCGCCTCTGCTGCCCAGGTCCCGCCCCCGCCCCCAGGCCTGCTTACGTGG[TGCA>T]GCAGCAGCAGCATCTCTGCCTCTGCCAGGCGCCGCCCGAGGCACTGGCGCATGCCAAAGC-3'